The following is an entry in ClinVar:

NM_198253.3(TERT):c.2393T>G (p.Leu798Arg)

Gene: TERT (telomerase reverse transcriptase; minus strand). Cytogenetic location: 5p15.33.
Variant type: single nucleotide variant.
Coding change: c.2393T>G on transcript NM_198253.3 (MANE Select); coding-DNA position 2393, T replaced by G.
Protein change: p.Leu798Arg; replaces leucine 798 with arginine.
Molecular consequence: missense variant.
Genome position (GRCh38, 1-based): chr5:1,271,194, A>C on the plus strand (T>G on the coding strand, the complement: TERT is on the minus strand). VCF-style: chr5-1271194-A-C. GRCh37 (hg19) VCF-style: chr5-1271309-A-C.
Other names: c.2393T>G, p.Leu798Arg (NM_001193376.3); short protein forms L798R.
Identifiers: ClinVar variation 3967319 (VCV003967319.1).

ClinVar aggregate classification (germline): Uncertain significance (1 of 4 stars; one submission).

Conditions:
Dyskeratosis congenita. Identifiers: Orphanet 1775, MedGen C0265965, MONDO:0015780.

Submission:

Ambry Genetics
Classification: Uncertain significance for Dyskeratosis congenita. Last evaluated: 2025-03-17. Review status: criteria provided, single submitter. Criteria: Ambry Variant Classification Scheme 2023. Collection method: clinical testing. Allele origin: germline.
Comment: The p.L798R variant (also known as c.2393T>G), located in coding exon 8 of the TERT gene, results from a T to G substitution at nucleotide position 2393. The leucine at codon 798 is replaced by arginine, an amino acid with dissimilar properties. This amino acid position is conserved. In addition, the in silico prediction for this alteration is inconclusive. Based on the available evidence, the clinical significance of this variant remains unclear.